The following is an entry in ClinVar:

ClinVar aggregate classification (germline): Conflicting classifications of pathogenicity. Review status: criteria provided, conflicting classifications (1 of 4 stars). 4 submissions from 3 submitters: Uncertain significance (2); Likely benign (1). 1 of the submissions does not count toward it. Last evaluated 2025-06-02.

Conditions:
Intellectual disability-epilepsy-extrapyramidal syndrome (NEDHELS). Also called: Dyskinesia, seizures, and intellectual developmental disorder. Identifiers: Orphanet 468620, MedGen C4310683, MONDO:0014952, OMIM 617171.
Attention deficit hyperactivity disorder (ADHD). Also called: Attention-Deficit/Hyperactivity Disorder. Identifiers: MedGen C1263846, MONDO:0007743, HP:0007018.
Tooth malposition. Also called: Misalignment of teeth. Identifiers: MedGen C1852504, HP:0000692.
Obesity. Also called: Obesity disorder. Identifiers: Orphanet 71529, MedGen C0028754, MeSH D009765, MONDO:0011122, HP:0001513.
Thin upper lip vermilion. Identifiers: MedGen C1865017, HP:0000219.
Malar flattening. Also called: Flat midface. Identifiers: MedGen C1858085, HP:0000272.
Poor fine motor coordination. Identifiers: MedGen C1867864, HP:0007010.
Floppy infant. Also called: Infantile muscular hypotonia. Identifiers: MedGen C1860834, HP:0008947.
Mandibular prognathia. Also called: Habsburg jaw; Hapsburg jaw; Class III malocclusion. Identifiers: Orphanet 2964, MedGen C0399526, MeSH D008313, MONDO:0008312, OMIM 176700, HP:0000303.
Delayed speech and language development. Also called: Language delay. Identifiers: MedGen C0454644, HP:0000750.

Allele frequency attached by ClinVar (database versions not stated): gnomAD exomes 0.00001; TOPMed 0.00002; gnomAD 0.00003.
gnomAD v4.1: 26 of 1,613,986 alleles (0.0016%); highest among the groups gnomAD compares: African/African-American, 0.004%; no homozygotes.

Submissions (4):

Labcorp Genetics (formerly Invitae), Labcorp
Classification: Uncertain significance. Last evaluated: 2025-06-02. Review status: criteria provided, single submitter. Criteria: Invitae Variant Classification Sherloc (09022015). Collection method: clinical testing. Allele origin: germline.
Comment: This sequence change replaces glycine, which is neutral and non-polar, with serine, which is neutral and polar, at codon 223 of the DEAF1 protein (p.Gly223Ser). This variant is present in population databases (no rsID available, gnomAD 0.003%). This variant has not been reported in the literature in individuals affected with DEAF1-related conditions. ClinVar contains an entry for this variant (Variation ID: 373980). An algorithm developed to predict the effect of missense changes on protein structure and function (PolyPhen-2) suggests that this variant is likely to be disruptive. In summary, the available evidence is currently insufficient to determine the role of this variant in disease. Therefore, it has been classified as a Variant of Uncertain Significance.

GeneDx
Classification: Uncertain significance. Last evaluated: 2018-06-19. Review status: criteria provided, single submitter. Criteria: GeneDx Variant Classification (06012015). Collection method: clinical testing. Allele origin: germline. Affected: yes.
Comment: The G223S variant in the DEAF1 gene has not been reported previously as a pathogenic variant, nor as a benign variant, to our knowledge. The G223S variant was not observed in approximately 6,500 individuals of European and African American ancestry in the NHLBI Exome Sequencing Project, indicating it is not a common benign variant in these populations. The G223S variant is a non-conservative amino acid substitution, which is likely to impact secondary protein structure as these residues differ in polarity, charge, size and/or other properties. This substitution occurs at a position that is conserved across species. In silico analysis is inconsistent in its predictions as to whether or not the variant is damaging to the protein structure/function. We interpret G223S as a variant of uncertain significance.

Centre for Mendelian Genomics, University Medical Centre Ljubljana
Classification: Likely benign for Intellectual disability-epilepsy-extrapyramidal syndrome. Last evaluated: 2016-01-01. Review status: criteria provided, single submitter. Criteria: ACMG Guidelines, 2015. Collection method: clinical testing. Allele origin: unknown. Affected: yes.
Comment: This variant was classified as: Likely benign.

Centre for Mendelian Genomics, University Medical Centre Ljubljana
Classification: Likely benign for Attention deficit hyperactivity disorder; Delayed speech and language development; Floppy infant; Malar flattening; Mandibular prognathia; Tooth malposition; Obesity; Poor fine motor coordination; Thin upper lip vermilion. Last evaluated: 2016-03-25. Review status: no assertion criteria provided. Collection method: clinical testing. Allele origin: unknown. Affected: yes. Not counted in ClinVar's aggregate classification.

NM_021008.4(DEAF1):c.667G>A (p.Gly223Ser)

Gene: DEAF1 (DEAF1 transcription factor; minus strand). Cytogenetic location: 11p15.5.
Variant type: single nucleotide variant.
Coding change: c.667G>A on transcript NM_021008.4 (MANE Select); coding-DNA position 667, G replaced by A.
Protein change: p.Gly223Ser; replaces glycine 223 with serine.
Molecular consequence: missense variant. On other transcripts: 5 prime UTR variant (4), intron variant (1).
Genome position (GRCh38, 1-based): chr11:686,995, C>T on the plus strand (G>A on the coding strand, the complement: DEAF1 is on the minus strand). VCF-style: chr11-686995-C-T. GRCh37 (hg19) VCF-style: chr11-686995-C-T.
Other names: c.-60G>A (NM_001367390.1, NM_001440885.1, NM_001440886.1 and 1 more transcripts); c.667G>A, p.Gly223Ser (NM_001440883.1, NM_001440884.1); c.664+916G>A (NM_001293634.2); short protein forms G223S.
Identifiers: ClinVar variation 373980 (VCV000373980.11), dbSNP rs1057518811, ClinGen allele CA16043461.